The following is an entry in ClinVar:

NM_020207.7(ERCC6L2):c.13G>C (p.Ala5Pro)

Gene: ERCC6L2 (ERCC excision repair 6 like 2; plus strand). Cytogenetic location: 9q22.32.
Variant type: single nucleotide variant.
Coding change: c.13G>C on transcript NM_020207.7 (MANE Select); coding-DNA position 13, G replaced by C.
Protein change: p.Ala5Pro; replaces alanine 5 with proline.
Molecular consequence: missense variant. On other transcripts: non-coding transcript variant (1).
Genome position (GRCh38, 1-based): chr9:95,876,051, G>C. VCF-style: chr9-95876051-G-C. GRCh37 (hg19) VCF-style: chr9-98638333-G-C.
Other names: c.13G>C, p.Ala5Pro (NM_001010895.4, NM_001375291.1, NM_001375292.1 and 2 more transcripts); short protein forms A5P.
Identifiers: ClinVar variation 2736542 (VCV002736542.2), dbSNP rs1220583916, ClinGen allele CA374115413.

ClinVar aggregate classification (germline): Uncertain significance. Review status: criteria provided, multiple submitters, no conflicts (2 of 4 stars). 2 submissions from 2 submitters: Uncertain significance (2). Last evaluated 2025-05-17.

Conditions:
Inborn genetic diseases. Identifiers: MedGen C0950123, MeSH D030342.

Allele frequency attached by ClinVar (database versions not stated): gnomAD exomes below 0.00001; TOPMed below 0.00001; gnomAD 0.00001.
gnomAD v4.1: 2 of 1,587,952 alleles (0.00013%); highest among the groups gnomAD compares: Non-Finnish European, 0.00017%; no homozygotes.

Submissions (2):

Ambry Genetics
Classification: Uncertain significance for Inborn genetic diseases. Last evaluated: 2025-05-17. Review status: criteria provided, single submitter. Criteria: Ambry Variant Classification Scheme 2023. Collection method: clinical testing. Allele origin: germline.
Comment: The p.A5P variant (also known as c.13G>C), located in coding exon 1 of the ERCC6L2 gene, results from a G to C substitution at nucleotide position 13. The alanine at codon 5 is replaced by proline, an amino acid with highly similar properties. This amino acid position is conserved. In addition, the in silico prediction for this alteration is inconclusive. Based on the available evidence, the clinical significance of this variant remains unclear.

Labcorp Genetics (formerly Invitae), Labcorp
Classification: Uncertain significance. Last evaluated: 2023-08-28. Review status: criteria provided, single submitter. Criteria: Invitae Variant Classification Sherloc (09022015). Collection method: clinical testing. Allele origin: germline.
Comment: In summary, the available evidence is currently insufficient to determine the role of this variant in disease. Therefore, it has been classified as a Variant of Uncertain Significance. Experimental studies and prediction algorithms are not available or were not evaluated, and the functional significance of this variant is currently unknown. This variant has not been reported in the literature in individuals affected with ERCC6L2-related conditions. This variant is present in population databases (no rsID available, gnomAD 0.007%). This sequence change replaces alanine, which is neutral and non-polar, with proline, which is neutral and non-polar, at codon 16 of the ERCC6L2 protein (p.Ala16Pro).